The following is an entry in ClinVar:

ClinVar aggregate classification (germline): Uncertain significance. Review status: criteria provided, multiple submitters, no conflicts (2 of 4 stars). 2 submissions from 2 submitters: Uncertain significance (2). Last evaluated 2026-08-18.

Conditions:
Hereditary cancer-predisposing syndrome. Also called: Tumor predisposition; Hereditary neoplastic syndrome; Neoplastic Syndromes, Hereditary; Hereditary Cancer Syndrome. Identifiers: Orphanet 140162, MedGen C0027672, MeSH D009386, MONDO:0015356.
Tuberous sclerosis 2 (TSC2). Identifiers: Orphanet 805, MedGen C1860707, MONDO:0013199, OMIM 613254.

Submissions (2):

Ambry Genetics
Classification: Uncertain significance for Hereditary cancer-predisposing syndrome. Last evaluated: 2026-08-18. Review status: criteria provided, single submitter. Criteria: Ambry Variant Classification Scheme 2023. Collection method: clinical testing. Allele origin: germline.
Comment: The p.I40V variant (also known as c.118A>G), located in coding exon 1 of the TSC2 gene, results from an A to G substitution at nucleotide position 118. The isoleucine at codon 40 is replaced by valine, an amino acid with highly similar properties. This amino acid position is well conserved in available vertebrate species. In addition, this alteration is predicted to be tolerated by in silico analysis. Based on the available evidence, the clinical significance of this variant remains unclear.

Labcorp Genetics (formerly Invitae), Labcorp
Classification: Uncertain significance for Tuberous sclerosis 2. Last evaluated: 2020-12-03. Review status: criteria provided, single submitter. Criteria: Invitae Variant Classification Sherloc (09022015). Collection method: clinical testing. Allele origin: germline.
Comment: In summary, the available evidence is currently insufficient to determine the role of this variant in disease. Therefore, it has been classified as a Variant of Uncertain Significance. Advanced modeling of protein sequence and biophysical properties (such as structural, functional, and spatial information, amino acid conservation, physicochemical variation, residue mobility, and thermodynamic stability) performed at Invitae indicates that this missense variant is not expected to disrupt TSC2 protein function. This variant has not been reported in the literature in individuals with TSC2-related conditions. ClinVar contains an entry for this variant (Variation ID: 856562). This variant is not present in population databases (ExAC no frequency). This sequence change replaces isoleucine with valine at codon 40 of the TSC2 protein (p.Ile40Val). The isoleucine residue is moderately conserved and there is a small physicochemical difference between isoleucine and valine.

NM_000548.5(TSC2):c.118A>G (p.Ile40Val)

Gene: TSC2 (TSC complex subunit 2; plus strand). Cytogenetic location: 16p13.3.
Variant type: single nucleotide variant.
Coding change: c.118A>G on transcript NM_000548.5 (MANE Select); coding-DNA position 118, A replaced by G.
Protein change: p.Ile40Val; replaces isoleucine 40 with valine.
Molecular consequence: missense variant. On other transcripts: 5 prime UTR variant (1), intron variant (1).
Genome position (GRCh38, 1-based): chr16:2,048,733, A>G. VCF-style: chr16-2048733-A-G. GRCh37 (hg19) VCF-style: chr16-2098734-A-G.
Other names: c.118A>G, p.Ile40Val (NM_001077183.3, NM_001114382.3, NM_001318827.2 and 4 more transcripts); c.-109A>G (NM_001318831.2); c.151A>G, p.Ile51Val (NM_001318832.2); c.-10+668A>G (NM_001318829.2); short protein forms I40V, I51V.
Identifiers: ClinVar variation 856562 (VCV000856562.10), dbSNP rs2084683845, ClinGen allele CA394301659.